The following is an entry in ClinVar:

NM_002109.6(HARS1):c.862A>G (p.Lys288Glu)

Gene: HARS1 (histidyl-tRNA synthetase 1; minus strand). Cytogenetic location: 5q31.3.
Variant type: single nucleotide variant.
Coding change: c.862A>G on transcript NM_002109.6 (MANE Select); coding-DNA position 862, A replaced by G.
Protein change: p.Lys288Glu; replaces lysine 288 with glutamic acid.
Molecular consequence: missense variant.
Genome position (GRCh38, 1-based): chr5:140,677,078, T>C on the plus strand (A>G on the coding strand, the complement: HARS1 is on the minus strand). VCF-style: chr5-140677078-T-C. GRCh37 (hg19) VCF-style: chr5-140056663-T-C.
Other names: c.742A>G, p.Lys248Glu (NM_001258040.3); c.802A>G, p.Lys268Glu (NM_001258041.3); c.682A>G, p.Lys228Glu (NM_001258042.3); c.640A>G, p.Lys214Glu (NM_001289092.2); c.520A>G, p.Lys174Glu (NM_001289093.2); c.775A>G, p.Lys259Glu (NM_001289094.2); short protein forms K228E, K248E, K268E, K174E, K214E, K259E, K288E.
Identifiers: ClinVar variation 2131530 (VCV002131530.4), dbSNP rs1002771462, ClinGen allele CA361253194.

ClinVar aggregate classification (germline): Uncertain significance (1 of 4 stars; one submission).

Conditions:
Usher syndrome type 3B. Also called: USHER SYNDROME, TYPE IIIB. Identifiers: MedGen C3281066, MONDO:0013788, OMIM 614504.

Allele frequency attached by ClinVar (database versions not stated): gnomAD exomes below 0.00001.
gnomAD v4.1: 2 of 1,614,102 alleles (0.00012%); highest among the groups gnomAD compares: South Asian, 0.0011%; no homozygotes.

Submission:

Labcorp Genetics (formerly Invitae), Labcorp
Classification: Uncertain significance for Usher syndrome type 3B. Last evaluated: 2022-04-28. Review status: criteria provided, single submitter. Criteria: Invitae Variant Classification Sherloc (09022015). Collection method: clinical testing. Allele origin: germline.
Comment: This variant is present in population databases (no rsID available, gnomAD 0.003%). In summary, the available evidence is currently insufficient to determine the role of this variant in disease. Therefore, it has been classified as a Variant of Uncertain Significance. Algorithms developed to predict the effect of missense changes on protein structure and function output the following: SIFT: "Tolerated"; PolyPhen-2: "Benign"; Align-GVGD: "Class C0". The glutamic acid amino acid residue is found in multiple mammalian species, which suggests that this missense change does not adversely affect protein function. This missense change has been observed in individual(s) with clinical features of HARS-related conditions (Invitae). This sequence change replaces lysine, which is basic and polar, with glutamic acid, which is acidic and polar, at codon 288 of the HARS protein (p.Lys288Glu).